The following is an entry in ClinVar:

NM_018714.3(COG1):c.1935G>T (p.Glu645Asp)

Gene: COG1 (component of oligomeric golgi complex 1; plus strand). Cytogenetic location: 17q25.1.
Variant type: single nucleotide variant.
Coding change: c.1935G>T on transcript NM_018714.3 (MANE Select); coding-DNA position 1935, G replaced by T.
Protein change: p.Glu645Asp; replaces glutamic acid 645 with aspartic acid.
Molecular consequence: missense variant.
Genome position (GRCh38, 1-based): chr17:73,201,762, G>T. VCF-style: chr17-73201762-G-T. GRCh37 (hg19) VCF-style: chr17-71197901-G-T.
Other names: c.1935G>T (NM_018714.2); short protein forms E645D.
Identifiers: ClinVar variation 1345203 (VCV001345203.8), dbSNP rs772385793, ClinGen allele CA8740318.

ClinVar aggregate classification (germline): Conflicting classifications of pathogenicity. Review status: criteria provided, conflicting classifications (1 of 4 stars). 2 submissions from 2 submitters: Uncertain significance (1); Likely benign (1). Last evaluated 2025-06-18.

Conditions:
Inborn genetic diseases. Identifiers: MedGen C0950123, MeSH D030342.
COG1 congenital disorder of glycosylation (CDG2G). Also called: CONGENITAL DISORDER OF GLYCOSYLATION, TYPE IIg; CDG IIg; CDGII/COG1 CEREBROCOSTOMANDIBULAR-LIKE SYNDROME. Identifiers: Orphanet 263508, MedGen C2931011, MONDO:0012637, OMIM 611209.

Allele frequency attached by ClinVar (database versions not stated): TOPMed 0.00004.

Submissions (2):

Ambry Genetics
Classification: Likely benign for Inborn genetic diseases. Last evaluated: 2025-06-18. Review status: criteria provided, single submitter. Criteria: Ambry Variant Classification Scheme 2023. Collection method: clinical testing. Allele origin: germline.

Labcorp Genetics (formerly Invitae), Labcorp
Classification: Uncertain significance for COG1 congenital disorder of glycosylation. Last evaluated: 2024-02-24. Review status: criteria provided, single submitter. Criteria: Invitae Variant Classification Sherloc (09022015). Collection method: clinical testing. Allele origin: germline.
Comment: This sequence change replaces glutamic acid, which is acidic and polar, with aspartic acid, which is acidic and polar, at codon 645 of the COG1 protein (p.Glu645Asp). This variant is present in population databases (rs772385793, gnomAD 0.006%). This variant has not been reported in the literature in individuals affected with COG1-related conditions. ClinVar contains an entry for this variant (Variation ID: 1345203). Advanced modeling of protein sequence and biophysical properties (such as structural, functional, and spatial information, amino acid conservation, physicochemical variation, residue mobility, and thermodynamic stability) performed at Invitae indicates that this missense variant is not expected to disrupt COG1 protein function with a negative predictive value of 80%. In summary, the available evidence is currently insufficient to determine the role of this variant in disease. Therefore, it has been classified as a Variant of Uncertain Significance.